The following is an entry in ClinVar:

NM_019842.4(KCNQ5):c.2410A>G (p.Met804Val)

Gene: KCNQ5 (potassium voltage-gated channel subfamily Q member 5; plus strand). Cytogenetic location: 6q13.
Variant type: single nucleotide variant.
Coding change: c.2410A>G on transcript NM_019842.4 (MANE Select); coding-DNA position 2410, A replaced by G.
Protein change: p.Met804Val; replaces methionine 804 with valine.
Molecular consequence: missense variant.
Genome position (GRCh38, 1-based): chr6:73,195,025, A>G. VCF-style: chr6-73195025-A-G. GRCh37 (hg19) VCF-style: chr6-73904748-A-G.
Other names: c.2383A>G, p.Met795Val (NM_001160130.2); c.2440A>G, p.Met814Val (NM_001160132.2); c.2467A>G, p.Met823Val (NM_001160133.2); c.2080A>G, p.Met694Val (NM_001160134.2); short protein forms M823V, M795V, M694V, M804V, M814V.
Identifiers: ClinVar variation 3113475 (VCV003113475.2), dbSNP rs776130193, ClinGen allele CA3887254.

ClinVar aggregate classification (germline): Uncertain significance. Review status: criteria provided, multiple submitters, no conflicts (2 of 4 stars). 2 submissions from 2 submitters: Uncertain significance (2). Last evaluated 2025-03-31.

Conditions:
Inborn genetic diseases. Identifiers: MedGen C0950123, MeSH D030342.

Allele frequency attached by ClinVar (database versions not stated): ExAC 0.00001; gnomAD exomes 0.00001.
gnomAD v4.1: 3 of 1,614,202 alleles (0.00019%); highest among the groups gnomAD compares: Non-Finnish European, 0.00025%; no homozygotes.

Submissions (2):

Labcorp Genetics (formerly Invitae), Labcorp
Classification: Uncertain significance. Last evaluated: 2025-03-31. Review status: criteria provided, single submitter. Criteria: Invitae Variant Classification Sherloc (09022015). Collection method: clinical testing. Allele origin: germline.
Comment: This sequence change replaces methionine, which is neutral and non-polar, with valine, which is neutral and non-polar, at codon 823 of the KCNQ5 protein (p.Met823Val). This variant is present in population databases (rs776130193, gnomAD 0.0009%). This variant has not been reported in the literature in individuals affected with KCNQ5-related conditions. ClinVar contains an entry for this variant (Variation ID: 3113475). Invitae Evidence Modeling of protein sequence and biophysical properties (such as structural, functional, and spatial information, amino acid conservation, physicochemical variation, residue mobility, and thermodynamic stability) indicates that this missense variant is not expected to disrupt KCNQ5 protein function with a negative predictive value of 95%. In summary, the available evidence is currently insufficient to determine the role of this variant in disease. Therefore, it has been classified as a Variant of Uncertain Significance.

Ambry Genetics
Classification: Uncertain significance for Inborn genetic diseases. Last evaluated: 2023-12-11. Review status: criteria provided, single submitter. Criteria: Ambry Variant Classification Scheme 2023. Collection method: clinical testing. Allele origin: germline.